The following is an entry in ClinVar:

ClinVar aggregate classification (germline): Uncertain significance. Review status: criteria provided, multiple submitters, no conflicts (2 of 4 stars). 5 submissions from 5 submitters: Uncertain significance (5). Last evaluated 2026-09-22.

Conditions:
MYH6-related disorder. Also called: MYH6-related condition; MYH6-Related Disorders.
Cardiovascular phenotype. Identifiers: MedGen CN230736.
Atrial septal defect 3 (ASD3). Identifiers: Orphanet 1478, MedGen C3279790, MONDO:0013567, OMIM 614089.
Hypertrophic cardiomyopathy 1 (CMH1). Also called: MYH7-Related Familial Hypertrophic Cardiomyopathy; Familial hypertrophic cardiomyopathy 1. Identifiers: MedGen C3495498, MONDO:0008647, OMIM 192600.
Sick sinus syndrome 3, susceptibility to (SSS3). Identifiers: Orphanet 166282, MedGen C3279791, MONDO:0013568, OMIM 614090.
Dilated cardiomyopathy 1EE (CMD1EE). Identifiers: Orphanet 154, MedGen C2750466, MONDO:0013198, OMIM 613252.
Hypertrophic cardiomyopathy 14. Identifiers: MedGen C2750467, MONDO:0013197, OMIM 613251.

Allele frequency attached by ClinVar (database versions not stated): gnomAD exomes below 0.00001 and 0.00001; ExAC 0.00002; TOPMed 0.00008; gnomAD 0.00009.
gnomAD v4.1: 19 of 1,614,120 alleles (0.0012%); highest among the groups gnomAD compares: African/African-American, 0.024%; no homozygotes.

Submissions (5):

PreventionGenetics, part of Exact Sciences
Classification: Uncertain significance for MYH6-related condition. Last evaluated: 2026-09-22. Review status: criteria provided, single submitter. Criteria: ACMG Guidelines, 2015. Collection method: clinical testing. Allele origin: germline.
Comment: The MYH6 c.2554G>A variant is predicted to result in the amino acid substitution p.Ala852Thr. This variant has been reported as uncertain in an individual with sudden unexplained death (Table S3, Lin et al. 2017. PubMed ID: 29247119). This variant is reported in 0.020% of alleles in individuals of African descent in gnomAD and is interpreted as uncertain in ClinVar (Variation ID: 263991). At this time, the clinical significance of this variant is uncertain due to the absence of conclusive functional and genetic evidence.

Ambry Genetics
Classification: Uncertain significance for Cardiovascular phenotype. Last evaluated: 2025-04-07. Review status: criteria provided, single submitter. Criteria: Ambry Variant Classification Scheme 2023. Collection method: clinical testing. Allele origin: germline.
Comment: The p.A852T variant (also known as c.2554G>A), located in coding exon 19 of the MYH6 gene, results from a G to A substitution at nucleotide position 2554. The alanine at codon 852 is replaced by threonine, an amino acid with similar properties. This variant has been detected in a sudden death cohort (Lin Y et al. Circ Cardiovasc Genet, 2017 Dec;10:). This amino acid position is highly conserved in available vertebrate species. In addition, this alteration is predicted to be deleterious by in silico analysis. Since supporting evidence is limited at this time, the clinical significance of this alteration remains unclear.

Labcorp Genetics (formerly Invitae), Labcorp
Classification: Uncertain significance for Hypertrophic cardiomyopathy 14. Last evaluated: 2022-09-28. Review status: criteria provided, single submitter. Criteria: Invitae Variant Classification Sherloc (09022015). Collection method: clinical testing. Allele origin: germline.
Comment: In summary, the available evidence is currently insufficient to determine the role of this variant in disease. Therefore, it has been classified as a Variant of Uncertain Significance. Advanced modeling of protein sequence and biophysical properties (such as structural, functional, and spatial information, amino acid conservation, physicochemical variation, residue mobility, and thermodynamic stability) performed at Invitae indicates that this missense variant is not expected to disrupt MYH6 protein function. ClinVar contains an entry for this variant (Variation ID: 263991). This missense change has been observed in individual(s) with sudden unexplained death (PMID: 29247119). This variant is present in population databases (rs776971183, gnomAD 0.02%). This sequence change replaces alanine, which is neutral and non-polar, with threonine, which is neutral and polar, at codon 852 of the MYH6 protein (p.Ala852Thr).

Fulgent Genetics
Classification: Uncertain significance for Hypertrophic cardiomyopathy 1; Hypertrophic cardiomyopathy 14; Dilated cardiomyopathy 1EE; Atrial septal defect 3; Sick sinus syndrome 3, susceptibility to. Last evaluated: 2022-01-10. Review status: criteria provided, single submitter. Criteria: ACMG Guidelines, 2015. Collection method: clinical testing. Allele origin: unknown.

AiLife Diagnostics
Classification: Uncertain significance. Last evaluated: 2021-06-29. Review status: criteria provided, single submitter. Criteria: ACMG Guidelines, 2015. Collection method: clinical testing. Allele origin: germline. Affected: yes. Observed: 1 variant allele.

Literature cited by the submitters: PubMed 29247119 (cited by 3 submitters).

NM_002471.4(MYH6):c.2554G>A (p.Ala852Thr)

Gene: MYH6 (myosin heavy chain 6; minus strand). Cytogenetic location: 14q11.2.
Variant type: single nucleotide variant.
Coding change: c.2554G>A on transcript NM_002471.4 (MANE Select); coding-DNA position 2554, G replaced by A.
Protein change: p.Ala852Thr; replaces alanine 852 with threonine.
Molecular consequence: missense variant.
Genome position (GRCh38, 1-based): chr14:23,394,199, C>T on the plus strand (G>A on the coding strand, the complement: MYH6 is on the minus strand). VCF-style: chr14-23394199-C-T. GRCh37 (hg19) VCF-style: chr14-23863408-C-T.
Other names: short protein forms A852T.
Identifiers: ClinVar variation 263991 (VCV000263991.16), dbSNP rs776971183, ClinGen allele CA7115436.